The following is an entry in ClinVar:

NM_001195263.2(PDZD7):c.1093C>T (p.Arg365Trp)

Gene: PDZD7 (PDZ domain containing 7; minus strand). Cytogenetic location: 10q24.31.
Variant type: single nucleotide variant.
Coding change: c.1093C>T on transcript NM_001195263.2 (MANE Select); coding-DNA position 1093, C replaced by T.
Protein change: p.Arg365Trp; replaces arginine 365 with tryptophan.
Molecular consequence: missense variant.
Genome position (GRCh38, 1-based): chr10:101,019,053, G>A on the plus strand (C>T on the coding strand, the complement: PDZD7 is on the minus strand). VCF-style: chr10-101019053-G-A. GRCh37 (hg19) VCF-style: chr10-102778810-G-A.
Other names: c.1093C>T, p.Arg365Trp (NM_001351044.2, NM_024895.5); short protein forms R365W.
Identifiers: ClinVar variation 971069 (VCV000971069.6), dbSNP rs749298324, ClinGen allele CA5654162.

ClinVar aggregate classification (germline): Uncertain significance. Review status: criteria provided, multiple submitters, no conflicts (2 of 4 stars). 2 submissions from 2 submitters: Uncertain significance (2). Last evaluated 2025-09-28.

Conditions:
Inborn genetic diseases. Identifiers: MedGen C0950123, MeSH D030342.

Allele frequency attached by ClinVar (database versions not stated): gnomAD 0.00002; TOPMed 0.00002; gnomAD exomes 0.00006 and 0.00008; ExAC 0.00031.
gnomAD v4.1: 119 of 1,576,132 alleles (0.0076%); highest among the groups gnomAD compares: Non-Finnish European, 0.0094%; no homozygotes.

Submissions (2):

Ambry Genetics
Classification: Uncertain significance for Inborn genetic diseases. Last evaluated: 2025-09-28. Review status: criteria provided, single submitter. Criteria: Ambry Variant Classification Scheme 2023. Collection method: clinical testing. Allele origin: germline.

Labcorp Genetics (formerly Invitae), Labcorp
Classification: Uncertain significance. Last evaluated: 2022-08-20. Review status: criteria provided, single submitter. Criteria: Invitae Variant Classification Sherloc (09022015). Collection method: clinical testing. Allele origin: germline.
Comment: This sequence change replaces arginine, which is basic and polar, with tryptophan, which is neutral and slightly polar, at codon 365 of the PDZD7 protein (p.Arg365Trp). The frequency data for this variant in the population databases is considered unreliable, as metrics indicate poor data quality at this position in the gnomAD database. This variant has not been reported in the literature in individuals affected with PDZD7-related conditions. ClinVar contains an entry for this variant (Variation ID: 971069). Algorithms developed to predict the effect of missense changes on protein structure and function are either unavailable or do not agree on the potential impact of this missense change (SIFT: "Deleterious"; PolyPhen-2: "Not Available"; Align-GVGD: "Class C15"). Algorithms developed to predict the effect of sequence changes on RNA splicing suggest that this variant may create or strengthen a splice site. In summary, the available evidence is currently insufficient to determine the role of this variant in disease. Therefore, it has been classified as a Variant of Uncertain Significance.